The following is an entry in ClinVar:

NM_018896.5(CACNA1G):c.2684G>A (p.Arg895Gln)

Gene: CACNA1G (calcium voltage-gated channel subunit alpha1 G; plus strand). Cytogenetic location: 17q21.33.
Variant type: single nucleotide variant.
Coding change: c.2684G>A on transcript NM_018896.5 (MANE Select); coding-DNA position 2684, G replaced by A.
Protein change: p.Arg895Gln; replaces arginine 895 with glutamine.
Molecular consequence: missense variant. On other transcripts: non-coding transcript variant (5).
Genome position (GRCh38, 1-based): chr17:50,591,783, G>A. VCF-style: chr17-50591783-G-A. GRCh37 (hg19) VCF-style: chr17-48669144-G-A.
Other names: c.2684G>A, p.Arg895Gln (NM_001256324.2, NM_001256325.2, NM_001256326.2 and 24 more transcripts); short protein forms R895Q.
Identifiers: ClinVar variation 2973329 (VCV002973329.5), dbSNP rs1468000824, ClinGen allele CA400249198.
Genomic context (GRCh38, chr17:50,591,783, plus strand): 5'-CCCCTTGTGCCCACAGCATCCTGGGCATGCATCTCTTCGGCTGCAAGTTTGCCTCTGAGC[G>A]GGATGGGGACACCCTGCCAGACCGGAAGAATTTTGACTCCTTGCTCTGGGCCATCGTCAC-3'
Protein context (NP_061496.2, residues 885-905): HLFGCKFASE[Arg895Gln]DGDTLPDRKN

ClinVar aggregate classification (germline): Uncertain significance. Review status: criteria provided, multiple submitters, no conflicts (2 of 4 stars). 2 submissions from 2 submitters: Uncertain significance (2). Last evaluated 2025-09-03.

Allele frequency attached by ClinVar (database versions not stated): gnomAD 0.00001; gnomAD exomes 0.00001; TOPMed 0.00004.
gnomAD v4.1: 21 of 1,613,808 alleles (0.0013%); highest among the groups gnomAD compares: East Asian, 0.013%; no homozygotes.

Submissions (2):

Labcorp Genetics (formerly Invitae), Labcorp
Classification: Uncertain significance. Last evaluated: 2025-09-03. Review status: criteria provided, single submitter. Criteria: Invitae Variant Classification Sherloc (09022015). Collection method: clinical testing. Allele origin: germline.
Comment: This sequence change replaces arginine, which is basic and polar, with glutamine, which is neutral and polar, at codon 895 of the CACNA1G protein (p.Arg895Gln). This variant is present in population databases (no rsID available, gnomAD 0.01%). This variant has not been reported in the literature in individuals affected with CACNA1G-related conditions. ClinVar contains an entry for this variant (Variation ID: 2973329). Invitae Evidence Modeling of protein sequence and biophysical properties (such as structural, functional, and spatial information, amino acid conservation, physicochemical variation, residue mobility, and thermodynamic stability) indicates that this missense variant is not expected to disrupt CACNA1G protein function with a negative predictive value of 95%. In summary, the available evidence is currently insufficient to determine the role of this variant in disease. Therefore, it has been classified as a Variant of Uncertain Significance.

Dasa
Classification: Uncertain significance. Last evaluated: 2025-08-25. Review status: criteria provided, single submitter. Criteria: DASA Assertion Criteria. Collection method: clinical testing. Allele origin: germline.
Comment: NM_018896.5(CACNA1G):c.2684G>A (p.Arg895Gln) is a missense variant that results in the substitution of arginine with glutamine. This variant is rare in population databases. The currently available literature and clinical evidence are not sufficient to establish a definitive association between this variant and the reported condition. Therefore, this variant is classified as a variant of uncertain significance.